The following is an entry in ClinVar:

NM_032861.4(SERAC1):c.1640G>A (p.Arg547His)

Gene: SERAC1 (serine active site containing 1; minus strand). Cytogenetic location: 6q25.3.
Variant type: single nucleotide variant.
Coding change: c.1640G>A on transcript NM_032861.4 (MANE Select); coding-DNA position 1640, G replaced by A.
Protein change: p.Arg547His; replaces arginine 547 with histidine.
Molecular consequence: missense variant. On other transcripts: non-coding transcript variant (1).
Genome position (GRCh38, 1-based): chr6:158,114,833, C>T on the plus strand (G>A on the coding strand, the complement: SERAC1 is on the minus strand). VCF-style: chr6-158114833-C-T. GRCh37 (hg19) VCF-style: chr6-158535865-C-T.
Other names: short protein forms R547H.
Identifiers: ClinVar variation 1045240 (VCV001045240.7), dbSNP rs756639108, ClinGen allele CA4071013.

ClinVar aggregate classification (germline): Uncertain significance (1 of 4 stars; one submission).

Conditions:
3-methylglutaconic aciduria with deafness, encephalopathy, and Leigh-like syndrome (MEGDEL). Also called: SERAC1 Deficiency; 3-METHYLGLUTACONIC ACIDURIA, TYPE VI; MEGDEL syndrome. Identifiers: Orphanet 352328, MedGen C4040739, MONDO:0013875, OMIM 614739.

Allele frequency attached by ClinVar (database versions not stated): ExAC 0.00001; gnomAD exomes 0.00001; TOPMed 0.00002; gnomAD 0.00003 and 0.00004.
gnomAD v4.1: 17 of 1,606,800 alleles (0.0011%); highest among the groups gnomAD compares: African/African-American, 0.0055%; no homozygotes.

Submission:

Labcorp Genetics (formerly Invitae), Labcorp
Classification: Uncertain significance for 3-methylglutaconic aciduria with deafness, encephalopathy, and Leigh-like syndrome. Last evaluated: 2020-11-14. Review status: criteria provided, single submitter. Criteria: Invitae Variant Classification Sherloc (09022015). Collection method: clinical testing. Allele origin: germline.
Comment: In summary, the available evidence is currently insufficient to determine the role of this variant in disease. Therefore, it has been classified as a Variant of Uncertain Significance. Algorithms developed to predict the effect of missense changes on protein structure and function do not agree on the potential impact of this missense change (SIFT: "Deleterious"; PolyPhen-2: "Probably Damaging"; Align-GVGD: "Class C0"). This variant has not been reported in the literature in individuals with SERAC1-related disease. This variant is present in population databases (rs756639108, ExAC 0.01%). This sequence change replaces arginine with histidine at codon 547 of the SERAC1 protein (p.Arg547His). The arginine residue is highly conserved and there is a small physicochemical difference between arginine and histidine.